The following is an entry in ClinVar:

NM_006389.5(HYOU1):c.2031C>T (p.Val677=)

Gene: HYOU1 (hypoxia up-regulated 1; minus strand). Cytogenetic location: 11q23.3.
Variant type: single nucleotide variant.
Coding change: c.2031C>T on transcript NM_006389.5 (MANE Select); coding-DNA position 2031, C replaced by T.
Protein change: p.Val677=; no amino-acid change (valine 677 retained).
Molecular consequence: synonymous variant.
Genome position (GRCh38, 1-based): chr11:119,048,848, G>A on the plus strand (C>T on the coding strand, the complement: HYOU1 is on the minus strand). VCF-style: chr11-119048848-G-A. GRCh37 (hg19) VCF-style: chr11-118919560-G-A.
Other names: c.2031C>T (NM_006389.4); c.2031C>T, p.Val677= (NM_001130991.3).
Identifiers: ClinVar variation 719363 (VCV000719363.37), dbSNP rs45450894, ClinGen allele CA229619432.
Genomic context (GRCh38, chr11:119,048,848, plus strand): 5'-CTCTACCATTCGCCGCTTCCTGGCGGGCTTCTGCTTCTTCTCTCCCTCTGGGGCTGGAGC[G>A]ACGCCCTCAGGCCCTGCCTCTGCCTTCTCACTTGGTTTCTGGGTGGGAAGAGTCAGGGGT-3'
Protein context (NP_006380.1, residues 667-687): SEKAEAGPEG[Val677=]APAPEGEKKQ

ClinVar aggregate classification (germline): Benign/Likely benign. Review status: criteria provided, multiple submitters, no conflicts (2 of 4 stars). 6 submissions from 6 submitters: Benign (2); Likely benign (3). 1 of the submissions does not count toward it. Last evaluated 2026-02-02.

Conditions:
HYOU1-related disorder. Also called: HYOU1-related condition.
Granulocytopenia with immunoglobulin abnormality. Identifiers: MedGen C1856263, MONDO:0009305, OMIM 233600.

Allele frequency attached by ClinVar (database versions not stated): 1000 Genomes Project 30x 0.00203; 1000 Genomes Project 0.00220; TOPMed 0.00368; gnomAD exomes 0.00378 and 0.00617; gnomAD 0.00383 and 0.00389; ExAC 0.00385; ESP Exome Variant Server 0.00408.
gnomAD v4.1: 9,560 of 1,613,000 alleles (0.59%); highest among the groups gnomAD compares: Non-Finnish European, 0.72%; 30 homozygotes.

Submissions (6):

Labcorp Genetics (formerly Invitae), Labcorp
Classification: Benign. Last evaluated: 2026-02-02. Review status: criteria provided, single submitter. Criteria: Invitae Variant Classification Sherloc (09022015). Collection method: clinical testing. Allele origin: germline.

Women's Health and Genetics/Laboratory Corporation of America, LabCorp
Classification: Benign. Last evaluated: 2026-01-23. Review status: criteria provided, single submitter. Criteria: LabCorp Variant Classification Summary - May 2015. Collection method: clinical testing. Allele origin: germline.

Blueprint Genetics
Classification: Likely benign. Last evaluated: 2024-11-27. Review status: criteria provided, single submitter. Criteria: ACMG Guidelines, 2015. Collection method: clinical testing. Allele origin: germline.

CeGaT Center for Human Genetics Tuebingen
Classification: Likely benign. Last evaluated: 2023-06-01. Review status: criteria provided, single submitter. Criteria: CeGaT Center For Human Genetics Tuebingen Variant Classification Criteria Version 2. Collection method: clinical testing. Allele origin: germline. Affected: yes. Observed: 1 variant allele.
Comment: HYOU1: BP4, BP7

Fulgent Genetics
Classification: Likely benign for Granulocytopenia with immunoglobulin abnormality. Last evaluated: 2021-08-25. Review status: criteria provided, single submitter. Criteria: ACMG Guidelines, 2015. Collection method: clinical testing. Allele origin: unknown.

PreventionGenetics, part of Exact Sciences
Classification: Likely benign for HYOU1-related condition. Last evaluated: 2019-04-10. Review status: no assertion criteria provided. Collection method: clinical testing. Allele origin: germline. Not counted in ClinVar's aggregate classification.
Comment: This variant is classified as likely benign based on ACMG/AMP sequence variant interpretation guidelines (Richards et al. 2015 PMID: 25741868, with internal and published modifications).